The following is an entry in ClinVar:

ClinVar aggregate classification (germline): Conflicting classifications of pathogenicity. Review status: criteria provided, conflicting classifications (1 of 4 stars). 2 submissions from 2 submitters: Likely pathogenic (1); Uncertain significance (1). Last evaluated 2021-08-28.

Conditions:
Aicardi-Goutieres syndrome 4. Identifiers: Orphanet 51, MedGen C1835912, MONDO:0012472, OMIM 610333.

Allele frequency attached by ClinVar (database versions not stated): ExAC 0.00001; TOPMed 0.00001; ESP Exome Variant Server 0.00008.

Submissions (2):

Labcorp Genetics (formerly Invitae), Labcorp
Classification: Uncertain significance for Aicardi-Goutieres syndrome 4. Last evaluated: 2021-08-28. Review status: criteria provided, single submitter. Criteria: Invitae Variant Classification Sherloc (09022015). Collection method: clinical testing. Allele origin: germline.
Comment: This sequence change replaces leucine with proline at codon 60 of the RNASEH2A protein (p.Leu60Pro). The leucine residue is highly conserved and there is a moderate physicochemical difference between leucine and proline. This variant is present in population databases (rs373301983, ExAC 0.01%). This variant has not been reported in the literature in individuals affected with RNASEH2A-related conditions. Algorithms developed to predict the effect of missense changes on protein structure and function (SIFT, PolyPhen-2, Align-GVGD) all suggest that this variant is likely to be disruptive. In summary, the available evidence is currently insufficient to determine the role of this variant in disease. Therefore, it has been classified as a Variant of Uncertain Significance.

Victorian Clinical Genetics Services, Murdoch Childrens Research Institute
Classification: Likely pathogenic for Aicardi-Goutieres syndrome 4. Last evaluated: 2021-05-06. Review status: criteria provided, single submitter. Criteria: ACMG Guidelines, 2015. Collection method: clinical testing. Allele origin: germline. Inheritance: Autosomal recessive inheritance. Affected: yes.
Comment: Based on the classification scheme VCGS_Germline_v1.3.4, this variant is classified as Likely pathogenic. Following criteria are met: 0102 - Loss of function is a known mechanism of disease in this gene and is associated with Aicardi-Goutieres syndrome 4 (MIM#610333). (I) 0106 - This gene is associated with autosomal recessive disease. (I) 0200 - Variant is predicted to result in a missense amino acid change from leucine to proline. (I) 0251 - This variant is heterozygous. (I) 0301 - Variant is absent from gnomAD (both v2 and v3). (SP) 0501 - Missense variant consistently predicted to be damaging by multiple in silico tools or highly conserved with a major amino acid change. (SP) 0600 - Variant is located in the annotated eukaryotic RNase HII domain (PDB, NCBI). (I) 0705 - No comparable missense variants have previous evidence for pathogenicity. (I) 0809 - Previous evidence of pathogenicity for this variant is inconclusive. This variant has been previously reported as a VUS (ClinVar). (I) 0905 - No published segregation evidence has been identified for this variant. (I) 1007 - No published functional evidence has been identified for this variant. (I) 1101 - Very strong and specific phenotype match for this individual. (SP) 1201 - Heterozygous variant detected in trans with a second pathogenic heterozygous variant (p.(Val23Alafs*21)) in a recessive disease. (I) Legend: (SP) - Supporting pathogenic, (I) - Information, (SB) - Supporting benign

NM_006397.3(RNASEH2A):c.179T>C (p.Leu60Pro)

Gene: RNASEH2A (ribonuclease H2 subunit A; plus strand). Cytogenetic location: 19p13.13.
Variant type: single nucleotide variant.
Coding change: c.179T>C on transcript NM_006397.3 (MANE Select); coding-DNA position 179, T replaced by C.
Protein change: p.Leu60Pro; replaces leucine 60 with proline.
Molecular consequence: missense variant.
Genome position (GRCh38, 1-based): chr19:12,807,059, T>C. VCF-style: chr19-12807059-T-C. GRCh37 (hg19) VCF-style: chr19-12917873-T-C.
Other names: short protein forms L60P.
Identifiers: ClinVar variation 567208 (VCV000567208.7), dbSNP rs373301983, ClinGen allele CA9231764.
Genomic context (GRCh38, chr19:12,807,059, plus strand): 5'-TCTCCCCAGGCCCCATGGTCTACGCCATCTGTTATTGTCCCCTGCCTCGCCTGGCAGATC[T>C]GGAGGCGCTGAAAGTGGCAGGTGAGCCCGAGGTGTGCGTCTGGGGAAGGGATTCCTGGGT-3'
Protein context (NP_006388.2, residues 50-70): CYCPLPRLAD[Leu60Pro]EALKVADSKT